The following is an entry in ClinVar:

ClinVar aggregate classification (germline): Uncertain significance. Review status: criteria provided, multiple submitters, no conflicts (2 of 4 stars). 11 submissions from 11 submitters: Uncertain significance (11). Last evaluated 2025-11-17.

Conditions:
CHEK2-related disorder.
Hereditary cancer-predisposing syndrome. Also called: Tumor predisposition; Neoplastic Syndromes, Hereditary; Hereditary neoplastic syndrome; Hereditary Cancer Syndrome. Identifiers: Orphanet 140162, MedGen C0027672, MeSH D009386, MONDO:0015356.
CHEK2-related cancer predisposition (TPDS4). Also called: TUMOR PREDISPOSITION SYNDROME 4; CANCER PREDISPOSITION SYNDROME, CHEK2-RELATED; CHEK2-related cancer susceptibility. Identifiers: Orphanet 524, MedGen C5882668, MONDO:0700271, OMIM 609265.
Familial cancer of breast. Also called: BREAST CANCER, FAMILIAL; Hereditary breast cancer; hereditary breast carcinoma. Identifiers: Orphanet 227535, MedGen C0346153, MONDO:0016419, OMIM 114480. Disease mechanism: loss of function.

Allele frequency attached by ClinVar (database versions not stated): gnomAD 0.00002; TOPMed 0.00004; gnomAD exomes below 0.00001.
gnomAD v4.1: 4 of 1,589,386 alleles (0.00025%); highest among the groups gnomAD compares: Admixed American, 0.0017%; no homozygotes.

Submissions 1 to 7 of 11:

Labcorp Genetics (formerly Invitae), Labcorp
Classification: Uncertain significance for Familial cancer of breast. Last evaluated: 2025-11-17. Review status: criteria provided, single submitter. Criteria: Invitae Variant Classification Sherloc (09022015). Collection method: clinical testing. Allele origin: germline.
Comment: This sequence change replaces aspartic acid, which is acidic and polar, with glycine, which is neutral and non-polar, at codon 203 of the CHEK2 protein (p.Asp203Gly). This variant is not present in population databases (gnomAD no frequency). This missense change has been observed in individual(s) with thyroid and breast cancer (PMID: 28608266). ClinVar contains an entry for this variant (Variation ID: 142909). An algorithm developed to predict the effect of missense changes on protein structure and function (PolyPhen-2) suggests that this variant is likely to be disruptive. Experimental studies are conflicting or provide insufficient evidence to determine the effect of this variant on CHEK2 function (PMID: 30851065, 31811167, 34903604). RNA analysis performed to evaluate the impact of this missense change on mRNA splicing indicates it does not significantly alter splicing (PMID: 31811167; internal data). In summary, the available evidence is currently insufficient to determine the role of this variant in disease. Therefore, it has been classified as a Variant of Uncertain Significance.

Women's Health and Genetics/Laboratory Corporation of America, LabCorp
Classification: Uncertain significance. Last evaluated: 2025-10-27. Review status: criteria provided, single submitter. Criteria: LabCorp Variant Classification Summary - May 2015. Collection method: clinical testing. Allele origin: germline.
Comment: Variant summary: CHEK2 c.608A>G (p.Asp203Gly) results in a non-conservative amino acid change in the encoded protein sequence. Algorithms developed to predict the effect of missense changes on protein structure and function all suggest that this variant is likely to be disruptive. The variant was absent in 217718 control chromosomes (gnomAD). The available data on variant occurrences in the general population are insufficient to allow any conclusion about variant significance. c.608A>G has been reported in the literature in an individual affected with breast- and thyroid cancer (Dominguez-Valentin_2018), however this individual also carried a likely pathogenic CHEK2 variant. In addition, the variant was also reported in cohorts of individuals affected with breast cancer (Zanti_2019, Dorling_2021). Publications also reported experimental evidence evaluating an impact on protein function, and in a yeast based DNA-damage assay the variant showed similar function to the wild type (Delimitsou_2019), while in a mouse embryonic stem cell-based system the variant resulted in "intermediate" function, based on decreased Kap1 phosphorylation, and sensitivity to DNA break induction (Boonen_2022). In addition, the variant was shown not to affect RNA splicing in a minigene assay (Dominguez-Valentin_2018). The following publications have been ascertained in the context of this evaluation (PMID: 34903604, 30851065, 28608266, 33471991, 33120919). ClinVar contains an entry for this variant (Variation ID: 142909). Based on the evidence outlined above, the variant was classified as uncertain significance.

Genomic Medicine Center of Excellence, King Faisal Specialist Hospital and Research Centre
Classification: Uncertain significance for CHEK2-related cancer predisposition. Last evaluated: 2025-09-10. Review status: criteria provided, single submitter. Criteria: ACMG Guidelines, 2015. Collection method: clinical testing. Allele origin: germline.

PreventionGenetics, part of Exact Sciences
Classification: Uncertain significance for CHEK2-related condition. Last evaluated: 2025-02-03. Review status: criteria provided, single submitter. Criteria: ACMG Guidelines, 2015. Collection method: clinical testing. Allele origin: germline.
Comment: The CHEK2 c.608A>G variant is predicted to result in the amino acid substitution p.Asp203Gly. This variant has been reported in individuals with breast cancer (Dominguez-Valentin et al. 2018. PubMed ID: 28608266; Zanti et al. 2020. PubMed ID: 33120919; Supplemental Content, Dorling et al. 2021. PubMed ID: 33471991). Of note, one of these individuals also had thyroid cancer and carried CHEK2 c.319+2T>A in addition to this variant (Dominguez-Valentin et al. 2018. PubMed ID: 28608266). The results of functional studies are conflicting. Yeast-based functional assays (Delimitsou et al. 2019. PubMed ID: 30851065; Gebbia et al. 2024. PubMed ID: 39642869) and a CHEK2-complementation assay in a human cell line (Stolarova et al. 2023. PubMed ID: 37449874) indicate the variant does not affect CHEK2 function; however, a mouse embryonic stem cell-based functional assay indicated this variant had intermediate function and affected protein stability (Boonen et al. 2022. PubMed ID: 34903604). This variant has not been reported in a large population database (gnomAD), indicating it is rare. At this time, the clinical significance of this variant is uncertain due to the absence of conclusive functional and genetic evidence.

Ambry Genetics
Classification: Uncertain significance for Hereditary cancer-predisposing syndrome. Last evaluated: 2024-10-24. Review status: criteria provided, single submitter. Criteria: Ambry Variant Classification Scheme 2023. Collection method: clinical testing. Allele origin: germline.
Comment: The p.D203G variant (also known as c.608A>G), located in coding exon 4 of the CHEK2 gene, results from an A to G substitution at nucleotide position 608. The aspartic acid at codon 203 is replaced by glycine, an amino acid with similar properties. This alteration has been reported in an individual with a personal history of thyroid and bilateral breast cancer and was called a variant of uncertain significance by the authors. However, this individual was also positive for another CHEK2 alteration (c.319+2T>A) that was called likely pathogenic by the authors (Dominguez-Valentin M et al. Fam. Cancer, 2018 01;17:141-153). This alteration behaved as functional in an in vivo, yeast-based growth rate assay (Delimitsou A et al. Hum. Mutat., 2019 05;40:631-648). In another functional study, this alteration was reported as having intermediate function in an mES cell-based assay of CHEK2 activity (Boonen RACM et al. Cancer Res, 2022 02;82:615-631). This variant was reported as functional in a study assessing CHEK2-complementation through quantification of KAP1 phosphorylation and CHK2 autophosphorylation in human RPE1-CHEK2-knockout cells (Stolarova L et al. Clin Cancer Res, 2023 Aug;29:3037-3050). This amino acid position is highly conserved in available vertebrate species. In addition, this alteration is predicted to be deleterious by in silico analysis. Since supporting evidence is limited at this time, the clinical significance of this alteration remains unclear.

Baylor Genetics
Classification: Uncertain significance for Familial cancer of breast. Last evaluated: 2023-10-10. Review status: criteria provided, single submitter. Criteria: ACMG Guidelines, 2015. Collection method: clinical testing. Allele origin: unknown.

KCCC/NGS Laboratory, Kuwait Cancer Control Center
Classification: Uncertain significance for Familial cancer of breast. Last evaluated: 2023-07-07. Review status: criteria provided, single submitter. Criteria: ACMG Guidelines, 2015. Collection method: clinical testing. Allele origin: unknown. Affected: yes.
Comment: CHEK2 (p.Asp203Gly) : This variant is located in coding region of the CHEK2 gene and results from an A to G substitution at nucleotide position 608. The aspartic acid at codon 203 is replaced by glycine, an amino acid with similar properties. This alteration has been reported in an individual with a personal history of thyroid and bilateral breast cancer and was called a variant of uncertain significance by the authors. However, this individual was also positive for another CHEK2 alteration (c.319+2T>A) that was called likely pathogenic by the authors (PMID 28608266). This alteration behaved as functional in an in vivo, yeast-based growth rate assay (PMID 30851065). This amino acid position is highly conserved in available vertebrate species. In-silic predictions show Pathogenic computational verdict based on 10 pathogenic predictions from BayesDel_addAF, DANN, EIGEN, FATHMM-MKL, M-CAP, MVP, MutationAssessor, MutationTaster, SIFT and scSNV-Splicing vs 3 benign predictions from DEOGEN2, LIST-S2 and PrimateAI. Therefore, this variant has been classified as of uncertain significance.

NM_007194.4(CHEK2):c.608A>G (p.Asp203Gly)

Gene: CHEK2 (checkpoint kinase 2; minus strand). Cytogenetic location: 22q12.1.
Variant type: single nucleotide variant.
Coding change: c.608A>G on transcript NM_007194.4 (MANE Select); coding-DNA position 608, A replaced by G.
Protein change: p.Asp203Gly; replaces aspartic acid 203 with glycine.
Molecular consequence: missense variant. On other transcripts: intron variant (1), 5 prime UTR variant (2).
Genome position (GRCh38, 1-based): chr22:28,719,470, T>C on the plus strand (A>G on the coding strand, the complement: CHEK2 is on the minus strand). VCF-style: chr22-28719470-T-C. GRCh37 (hg19) VCF-style: chr22-29115458-T-C.
Other names: p.D203G:GAT>GGT; c.737A>G (NM_001005735.2); c.737A>G, p.Asp246Gly (NM_001438294.1, NM_001005735.3); c.701A>G, p.Asp234Gly (NM_001438295.1, NM_001438293.1); c.608A>G, p.Asp203Gly (NM_145862.3); c.482+5416A>G (NM_001349956.3); c.-56A>G (NM_001257387.3, NM_001437942.1); short protein forms D203G, D246G, D234G.
Identifiers: ClinVar variation 142909 (VCV000142909.33), dbSNP rs587782813, ClinGen allele CA294523.